The following is an entry in ClinVar:

NM_015512.5(DNAH1):c.10475-2A>G

Gene: DNAH1 (dynein axonemal heavy chain 1; plus strand). Cytogenetic location: 3p21.1.
Variant type: single nucleotide variant.
Coding change: c.10475-2A>G on transcript NM_015512.5 (MANE Select); the canonical splice acceptor site of the intron before coding-DNA position 10475, A replaced by G.
Molecular consequence: splice acceptor variant.
Genome position (GRCh38, 1-based): chr3:52,393,332, A>G. VCF-style: chr3-52393332-A-G. GRCh37 (hg19) VCF-style: chr3-52427348-A-G.
Identifiers: ClinVar variation 3382474 (VCV003382474.2).

ClinVar aggregate classification (germline): Likely pathogenic (1 of 4 stars; one submission).

Conditions:
Spermatogenic failure 18. Identifiers: MedGen C4539783, MONDO:0054615, OMIM 617576.
Ciliary dyskinesia, primary, 37 (CILD37). Also called: CILIARY DYSKINESIA, PRIMARY, 37, WITH OR WITHOUT SITUS INVERSUS. Identifiers: MedGen C4539798, MONDO:0033204, OMIM 617577.

Submission:

Juno Genomics, Hangzhou Juno Genomics, Inc
Classification: Likely pathogenic for Ciliary dyskinesia, primary, 37; Spermatogenic failure 18. Review status: criteria provided, single submitter. Criteria: ACMG Guidelines, 2015. Collection method: clinical testing. Allele origin: germline. Affected: yes.
Comment: Absent from controls (or at extremely low frequency if recessive) in Genome Aggregation Database, Exome Sequencing Project, 1000 Genomes Project, or Exome Aggregation Consortium.;Null variant in a gene where loss of function (LOF) is a known mechanism of disease.